The following is an entry in ClinVar:

ClinVar aggregate classification (germline): Uncertain significance. Review status: criteria provided, multiple submitters, no conflicts (2 of 4 stars). 2 submissions from 2 submitters: Uncertain significance (2). Last evaluated 2023-08-03.

Conditions:
Brugada syndrome. Also called: Sudden unexpected nocturnal death syndrome; Sudden Unexplained Death Syndrome; Sudden Unexplained Nocturnal Death Syndrome (SUNDS); Sudden unexplained nocturnal death syndrome. Identifiers: Orphanet 130, MedGen C1142166, MONDO:0015263.
Cardiovascular phenotype. Identifiers: MedGen CN230736.

Allele frequency attached by ClinVar (database versions not stated): TOPMed below 0.00001.

Submissions (2):

Ambry Genetics
Classification: Uncertain significance for Cardiovascular phenotype. Last evaluated: 2023-08-03. Review status: criteria provided, single submitter. Criteria: Ambry Variant Classification Scheme 2023. Collection method: clinical testing. Allele origin: germline.
Comment: The p.D1891Y variant (also known as c.5671G>T), located in coding exon 27 of the SCN10A gene, results from a G to T substitution at nucleotide position 5671. The aspartic acid at codon 1891 is replaced by tyrosine, an amino acid with highly dissimilar properties. This amino acid position is conserved. In addition, the in silico prediction for this alteration is inconclusive. Since supporting evidence is limited at this time, the clinical significance of this alteration remains unclear.

Labcorp Genetics (formerly Invitae), Labcorp
Classification: Uncertain significance for Brugada syndrome. Last evaluated: 2019-07-15. Review status: criteria provided, single submitter. Criteria: Invitae Variant Classification Sherloc (09022015). Collection method: clinical testing. Allele origin: germline.
Comment: Algorithms developed to predict the effect of missense changes on protein structure and function (SIFT, PolyPhen-2, Align-GVGD) all suggest that this variant is likely to be tolerated, but these predictions have not been confirmed by published functional studies and their clinical significance is uncertain. This variant has not been reported in the literature in individuals with SCN10A-related conditions. This variant is not present in population databases (ExAC no frequency). This sequence change replaces aspartic acid with tyrosine at codon 1891 of the SCN10A protein (p.Asp1891Tyr). The aspartic acid residue is weakly conserved and there is a large physicochemical difference between aspartic acid and tyrosine. In summary, the available evidence is currently insufficient to determine the role of this variant in disease. Therefore, it has been classified as a Variant of Uncertain Significance.

NM_006514.4(SCN10A):c.5671G>T (p.Asp1891Tyr)

Gene: SCN10A (sodium voltage-gated channel alpha subunit 10; minus strand). Cytogenetic location: 3p22.2.
Variant type: single nucleotide variant.
Coding change: c.5671G>T on transcript NM_006514.4 (MANE Select); coding-DNA position 5671, G replaced by T.
Protein change: p.Asp1891Tyr; replaces aspartic acid 1891 with tyrosine.
Molecular consequence: missense variant.
Genome position (GRCh38, 1-based): chr3:38,697,549, C>A on the plus strand (G>T on the coding strand, the complement: SCN10A is on the minus strand). VCF-style: chr3-38697549-C-A. GRCh37 (hg19) VCF-style: chr3-38739040-C-A.
Other names: c.5668G>T, p.Asp1890Tyr (NM_001293306.2); c.5377G>T, p.Asp1793Tyr (NM_001293307.2); c.5671G>T (NM_006514.2); short protein forms D1891Y, D1793Y, D1890Y.
Identifiers: ClinVar variation 959059 (VCV000959059.9), dbSNP rs2063103684, ClinGen allele CA352152598.